The following is an entry in ClinVar:

NM_004415.4(DSP):c.2867A>G (p.Asn956Ser)

Gene: DSP (desmoplakin; plus strand). Cytogenetic location: 6p24.3.
Variant type: single nucleotide variant.
Coding change: c.2867A>G on transcript NM_004415.4 (MANE Select); coding-DNA position 2867, A replaced by G.
Protein change: p.Asn956Ser; replaces asparagine 956 with serine.
Molecular consequence: missense variant.
Genome position (GRCh38, 1-based): chr6:7,577,032, A>G. VCF-style: chr6-7577032-A-G. GRCh37 (hg19) VCF-style: chr6-7577265-A-G.
Other names: c.2867A>G, p.Asn956Ser (NM_001008844.3, NM_001319034.2); short protein forms N956S.
Identifiers: ClinVar variation 1961723 (VCV001961723.3), dbSNP rs1373071129, ClinGen allele CA362682313.

ClinVar aggregate classification (germline): Uncertain significance (1 of 4 stars; one submission).

Conditions:
Arrhythmogenic cardiomyopathy with wooly hair and keratoderma. Also called: Arrhythmogenic cardiomyopathy with woolly hair and keratoderma; Carvajal syndrome; PALMOPLANTAR KERATODERMA WITH LEFT VENTRICULAR CARDIOMYOPATHY AND WOOLLY HAIR; Dilated cardiomyopathy with woolly hair and keratoderma. Identifiers: Orphanet 65282, MedGen C1854063, MONDO:0011581, OMIM 605676.
Arrhythmogenic right ventricular dysplasia 8 (ARVD8). Also called: Arrhythmogenic Right Ventricular Dysplasia/Cardiomyopathy 8; ARRHYTHMOGENIC RIGHT VENTRICULAR CARDIOMYOPATHY 8; ARRHYTHMOGENIC RIGHT VENTRICULAR DYSPLASIA, FAMILIAL, 8. Identifiers: MedGen C1843896, MONDO:0011831, OMIM 607450.

Allele frequency attached by ClinVar (database versions not stated): gnomAD exomes 0.00001.
gnomAD v4.1: 6 of 1,611,258 alleles (0.00037%); highest among the groups gnomAD compares: East Asian, 0.0067%; no homozygotes.

Submission:

Labcorp Genetics (formerly Invitae), Labcorp
Classification: Uncertain significance for Arrhythmogenic cardiomyopathy with wooly hair and keratoderma; Arrhythmogenic right ventricular dysplasia 8. Last evaluated: 2025-02-20. Review status: criteria provided, single submitter. Criteria: Invitae Variant Classification Sherloc (09022015). Collection method: clinical testing. Allele origin: germline.
Comment: This sequence change replaces asparagine, which is neutral and polar, with serine, which is neutral and polar, at codon 956 of the DSP protein (p.Asn956Ser). This variant is present in population databases (no rsID available, gnomAD 0.0009%). This variant has not been reported in the literature in individuals affected with DSP-related conditions. ClinVar contains an entry for this variant (Variation ID: 1961723). An algorithm developed to predict the effect of missense changes on protein structure and function (PolyPhen-2) suggests that this variant is likely to be tolerated. In summary, the available evidence is currently insufficient to determine the role of this variant in disease. Therefore, it has been classified as a Variant of Uncertain Significance.